The following is an entry in ClinVar:

ClinVar aggregate classification (germline): Conflicting classifications of pathogenicity. Review status: criteria provided, conflicting classifications (1 of 4 stars). 8 submissions from 8 submitters: Pathogenic (2); Likely pathogenic (4); Uncertain significance (2). Last evaluated 2026-07-28.

Conditions:
Usher syndrome. Also called: Usher Syndromes; Usher's syndrome. Identifiers: Orphanet 886, MedGen CN469326, MeSH D052245, MONDO:0019501. Disease mechanism: loss of function.
Rare genetic deafness. Identifiers: Orphanet 96210, MedGen C5680250.
Retinal dystrophy. Also called: Inherited retinal dystrophy. Identifiers: Orphanet 71862, MedGen C0854723, MeSH D058499, MONDO:0019118, HP:0000556.
USH2A-related disorder. Also called: USH2A-related disorders; USH2A-related condition. Identifiers: MedGen CN239332.
Usher syndrome type 2A. Also called: RETINAL DISEASE IN USHER SYNDROME TYPE IIA, MODIFIER OF; USHER SYNDROME, TYPE IIA. Identifiers: Orphanet 231178, Orphanet 886, MedGen C1848634, MONDO:0010169, OMIM 276901.

Allele frequency attached by ClinVar (database versions not stated): gnomAD exomes below 0.00001 and 0.00001.
gnomAD v4.1: 5 of 1,614,096 alleles (0.00031%); highest among the groups gnomAD compares: Non-Finnish European, 0.00042%; no homozygotes.

Submissions (8):

Myriad Genetics, Inc.
Classification: Likely pathogenic for USH2A-related disorder. Last evaluated: 2026-07-28. Review status: criteria provided, single submitter. Criteria: Myriad Autosomal Dominant, Autosomal Recessive and X-Linked Classification Criteria (2023). Collection method: clinical testing. Allele origin: unknown.
Comment: NM_206933.2(USH2A):c.12739G>A(G4247R) is a missense variant classified as likely pathogenic in the context of USH2A-related disorders. G4247R has been observed in cases with relevant disease (PMID: 36011334, 38219857). Relevant functional assessments of this variant are not available in the literature. G4247R has been observed in referenced population frequency databases. In summary, NM_206933.2(USH2A):c.12739G>A(G4247R) is a missense variant that has been observed more frequently in cases with the relevant disease than in healthy populations. Please note: this variant was assessed in the context of healthy population screening.

Labcorp Genetics (formerly Invitae), Labcorp
Classification: Pathogenic. Last evaluated: 2025-08-30. Review status: criteria provided, single submitter. Criteria: Invitae Variant Classification Sherloc (09022015). Collection method: clinical testing. Allele origin: germline.
Comment: This sequence change replaces glycine, which is neutral and non-polar, with arginine, which is basic and polar, at codon 4247 of the USH2A protein (p.Gly4247Arg). This variant is present in population databases (rs397517982, gnomAD 0.002%). This missense change has been observed in individual(s) with USH2A-related conditions (PMID: 36011334; internal data). In at least one individual the data is consistent with being in trans (on the opposite chromosome) from a pathogenic variant. ClinVar contains an entry for this variant (Variation ID: 48406). Invitae Evidence Modeling of protein sequence and biophysical properties (such as structural, functional, and spatial information, amino acid conservation, physicochemical variation, residue mobility, and thermodynamic stability) indicates that this missense variant is expected to disrupt USH2A protein function with a positive predictive value of 95%. For these reasons, this variant has been classified as Pathogenic.

Women's Health and Genetics/Laboratory Corporation of America, LabCorp
Classification: Likely pathogenic for Usher syndrome. Last evaluated: 2025-06-24. Review status: criteria provided, single submitter. Criteria: LabCorp Variant Classification Summary - May 2015. Collection method: clinical testing. Allele origin: germline.
Comment: Variant summary: USH2A c.12739G>A (p.Gly4247Arg) results in a non-conservative amino acid change located in the Fibronectin type III domain (IPR003961) of the encoded protein sequence. Algorithms developed to predict the effect of missense changes on protein structure and function all suggest that this variant is likely to be disruptive. The variant allele was found at a frequency of 8e-06 in 250788 control chromosomes. c.12739G>A has been reported in individuals affected with Usher Syndrome and related conditions (e.g., Feenstra_2022, Lin_2024, internal_testing). These data indicate that the variant may be associated with disease. To our knowledge, no experimental evidence demonstrating an impact on protein function has been reported. The following publications have been ascertained in the context of this evaluation (PMID: 36011334, 38219857). ClinVar contains an entry for this variant (Variation ID: 48406). Based on the evidence outlined above, the variant was classified as likely pathogenic.

Genome-Nilou Lab
Classification: Likely pathogenic for Usher syndrome type 2A. Last evaluated: 2023-11-04. Review status: criteria provided, single submitter. Criteria: ACMG Guidelines, 2015. Collection method: clinical testing. Allele origin: germline. Affected: no.

Dept Of Ophthalmology, Nagoya University
Classification: Uncertain significance for Retinal dystrophy. Last evaluated: 2023-10-01. Review status: criteria provided, single submitter. Criteria: Submitter's publication. Collection method: research. Allele origin: germline. Affected: yes.

SN ONGC Dept of Genetics and Molecular biology Vision Research Foundation
Classification: Pathogenic for Usher syndrome. Last evaluated: 2022-12-31. Review status: criteria provided, single submitter. Criteria: ACMG Guidelines, 2015. Collection method: research. Allele origin: unknown. Affected: yes. Observed: 1 variant allele, 1 compound heterozygote.

Blueprint Genetics
Classification: Uncertain significance. Last evaluated: 2019-08-21. Review status: criteria provided, single submitter. Criteria: ACMG Guidelines, 2015. Collection method: clinical testing. Allele origin: germline.

Laboratory for Molecular Medicine, Mass General Brigham Personalized Medicine
Classification: Likely pathogenic for Rare genetic deafness. Last evaluated: 2011-04-15. Review status: criteria provided, single submitter. Criteria: LMM Criteria. Collection method: clinical testing. Allele origin: germline. Observed: 3 variant alleles.
Comment: The Gly4247Arg variant in USH2A has not been reported in the literature nor prev iously identified by our laboratory. This residue is highly conserved across spe cies and computational analyses (PolyPhen2, SIFT, AlignGVGD) suggest that the Gl y4247Arg variant may impact the protein. In addition, this variant was identifed in trans with another pathogenic variant in USH2A. In summary, this data sugges ts that this variant is likely to be pathogenic.

Literature cited by the submitters: PubMed 36011334 (cited by 3 submitters); PubMed 38219857 (cited by Myriad Genetics, Inc. and Women's Health and Genetics/Laboratory Corporation of America, LabCorp).

NM_206933.4(USH2A):c.12739G>A (p.Gly4247Arg)

Gene: USH2A (usherin; minus strand). Cytogenetic location: 1q41.
Variant type: single nucleotide variant.
Coding change: c.12739G>A on transcript NM_206933.4 (MANE Select); coding-DNA position 12739, G replaced by A.
Protein change: p.Gly4247Arg; replaces glycine 4247 with arginine.
Molecular consequence: missense variant.
Genome position (GRCh38, 1-based): chr1:215,675,172, C>T on the plus strand (G>A on the coding strand, the complement: USH2A is on the minus strand). VCF-style: chr1-215675172-C-T. GRCh37 (hg19) VCF-style: chr1-215848514-C-T.
Other names: short protein forms G4247R.
Identifiers: ClinVar variation 48406 (VCV000048406.37), dbSNP rs397517982, ClinGen allele CA262080.